The following is an entry in ClinVar:

ClinVar aggregate classification (germline): Uncertain significance (1 of 4 stars; one submission).

Allele frequency attached by ClinVar (database versions not stated): gnomAD exomes 0.00001 and 0.00002; ExAC 0.00002; gnomAD 0.00005 and 0.00007; TOPMed 0.00019; 1000 Genomes Project 30x 0.00047; 1000 Genomes Project 0.00060.
gnomAD v4.1: 21 of 1,610,530 alleles (0.0013%); highest among the groups gnomAD compares: Admixed American, 0.032%; no homozygotes.

Submission:

Labcorp Genetics (formerly Invitae), Labcorp
Classification: Uncertain significance. Last evaluated: 2025-03-04. Review status: criteria provided, single submitter. Criteria: Invitae Variant Classification Sherloc (09022015). Collection method: clinical testing. Allele origin: germline.
Comment: This sequence change replaces valine, which is neutral and non-polar, with phenylalanine, which is neutral and non-polar, at codon 230 of the OPN1SW protein (p.Val230Phe). This variant is present in population databases (rs180902396, gnomAD 0.006%). This variant has not been reported in the literature in individuals affected with OPN1SW-related conditions. ClinVar contains an entry for this variant (Variation ID: 1059326). An algorithm developed to predict the effect of missense changes on protein structure and function (PolyPhen-2) suggests that this variant is likely to be disruptive. In summary, the available evidence is currently insufficient to determine the role of this variant in disease. Therefore, it has been classified as a Variant of Uncertain Significance.

NM_001385125.1(OPN1SW):c.679G>T (p.Val227Phe)

Gene: OPN1SW (opsin 1, short wave sensitive; minus strand). Cytogenetic location: 7q32.1.
Variant type: single nucleotide variant.
Coding change: c.679G>T on transcript NM_001385125.1 (MANE Select); coding-DNA position 679, G replaced by T.
Protein change: p.Val227Phe; replaces valine 227 with phenylalanine.
Molecular consequence: missense variant.
Genome position (GRCh38, 1-based): chr7:128,773,888, C>A on the plus strand (G>T on the coding strand, the complement: OPN1SW is on the minus strand). VCF-style: chr7-128773888-C-A. GRCh37 (hg19) VCF-style: chr7-128413942-C-A.
Other names: short protein forms V227F.
Identifiers: ClinVar variation 1059326 (VCV001059326.7), dbSNP rs180902396, ClinGen allele CA4472854.